The following is an entry in ClinVar:

NM_201384.3(PLEC):c.6473G>A (p.Arg2158Gln)

Gene: PLEC (plectin; minus strand). Cytogenetic location: 8q24.3.
Variant type: single nucleotide variant.
Coding change: c.6473G>A on transcript NM_201384.3 (MANE Select); coding-DNA position 6473, G replaced by A.
Protein change: p.Arg2158Gln; replaces arginine 2158 with glutamine.
Molecular consequence: missense variant.
Genome position (GRCh38, 1-based): chr8:143,923,456, C>T on the plus strand (G>A on the coding strand, the complement: PLEC is on the minus strand). VCF-style: chr8-143923456-C-T. GRCh37 (hg19) VCF-style: chr8-144997624-C-T.
Other names: c.6554G>A, p.Arg2185Gln (NM_000445.5); c.6431G>A, p.Arg2144Gln (NM_201378.4); c.6407G>A, p.Arg2136Gln (NM_201379.3); c.6884G>A, p.Arg2295Gln (NM_201380.4); c.6377G>A, p.Arg2126Gln (NM_201381.3); c.6473G>A, p.Arg2158Gln (NM_201382.4); c.6485G>A, p.Arg2162Gln (NM_201383.3); c.6554G>A (NM_000445.3); short protein forms R2126Q, R2136Q, R2158Q, R2295Q, R2144Q, R2185Q, R2162Q.
Identifiers: ClinVar variation 565894 (VCV000565894.8), dbSNP rs782196935, ClinGen allele CA4925975.

ClinVar aggregate classification (germline): Uncertain significance. Review status: criteria provided, multiple submitters, no conflicts (2 of 4 stars). 2 submissions from 2 submitters: Uncertain significance (2). Last evaluated 2024-11-27.

Conditions:
Epidermolysis bullosa simplex, Ogna type (EBS5A). Also called: Pidermolysis bullosa simplex 5A, Ogna type; EPIDERMOLYSIS BULLOSA SIMPLEX 5A, OGNA TYPE. Identifiers: Orphanet 79401, MedGen C0432317, MONDO:0007555, OMIM 131950.
Autosomal recessive limb-girdle muscular dystrophy type 2Q (LGMDR17). Also called: MUSCULAR DYSTROPHY, LIMB-GIRDLE, AUTOSOMAL RECESSIVE 17. Identifiers: Orphanet 254361, MedGen C3150989, MONDO:0013390, OMIM 613723.
Epidermolysis bullosa simplex 5C, with pyloric atresia (EBS5C). Also called: PLEC-Related Epidermolysis Bullosa with Pyloric Atresia; Epidermolysis bullosa simplex with pyloric atresia; PLEC1-Related Epidermolysis Bullosa with Pyloric Atresia. Identifiers: Orphanet 158684, MedGen C2677349, MONDO:0012807, OMIM 612138.
Epidermolysis bullosa simplex 5B, with muscular dystrophy (EBS5B). Also called: EPIDERMOLYSIS BULLOSA SIMPLEX AND LIMB-GIRDLE MUSCULAR DYSTROPHY; Epidermolysis bullosa simplex with muscular dystrophy. Identifiers: Orphanet 257, MedGen C2931072, MONDO:0009181, OMIM 226670.
Epidermolysis bullosa simplex with nail dystrophy (EBS5D). Identifiers: MedGen C4225309, MONDO:0014661, OMIM 616487.
Inborn genetic diseases. Identifiers: MedGen C0950123, MeSH D030342.

Allele frequency attached by ClinVar (database versions not stated): ExAC 0.00003; gnomAD 0.00003; gnomAD exomes 0.00003 and 0.00004; TOPMed 0.00008.
gnomAD v4.1: 64 of 1,607,700 alleles (0.004%); highest among the groups gnomAD compares: Admixed American, 0.01%; no homozygotes.

Submissions (2):

Labcorp Genetics (formerly Invitae), Labcorp
Classification: Uncertain significance for Autosomal recessive limb-girdle muscular dystrophy type 2Q; Epidermolysis bullosa simplex, Ogna type; Epidermolysis bullosa simplex with nail dystrophy; Epidermolysis bullosa simplex 5C, with pyloric atresia; Epidermolysis bullosa simplex 5B, with muscular dystrophy. Last evaluated: 2024-11-27. Review status: criteria provided, single submitter. Criteria: Invitae Variant Classification Sherloc (09022015). Collection method: clinical testing. Allele origin: germline.
Comment: This sequence change replaces arginine, which is basic and polar, with glutamine, which is neutral and polar, at codon 2185 of the PLEC protein (p.Arg2185Gln). This variant is present in population databases (rs782196935, gnomAD 0.009%). This variant has not been reported in the literature in individuals affected with PLEC-related conditions. ClinVar contains an entry for this variant (Variation ID: 565894). An algorithm developed to predict the effect of missense changes on protein structure and function (PolyPhen-2) suggests that this variant is likely to be tolerated. In summary, the available evidence is currently insufficient to determine the role of this variant in disease. Therefore, it has been classified as a Variant of Uncertain Significance.

Ambry Genetics
Classification: Uncertain significance for Inborn genetic diseases. Last evaluated: 2024-11-09. Review status: criteria provided, single submitter. Criteria: Ambry Variant Classification Scheme 2023. Collection method: clinical testing. Allele origin: germline.